The following is an entry in ClinVar:

ClinVar aggregate classification (germline): Likely pathogenic. Review status: criteria provided, multiple submitters, no conflicts (2 of 4 stars). 3 submissions from 3 submitters: Likely pathogenic (3). Last evaluated 2022-04-01.

Conditions:
Rare genetic deafness. Identifiers: Orphanet 96210, MedGen C5680250.
Waardenburg syndrome type 3 (WS3). Also called: KLEIN-WAARDENBURG SYNDROME; Klein-Waardenberg's syndrome; WAARDENBURG SYNDROME WITH UPPER LIMB ANOMALIES. Identifiers: Orphanet 3440, Orphanet 896, MedGen C0079661, MONDO:0007862, OMIM 148820.

Submissions (3):

CeGaT Center for Human Genetics Tuebingen
Classification: Likely pathogenic. Last evaluated: 2022-04-01. Review status: criteria provided, single submitter. Criteria: CeGaT Center For Human Genetics Tuebingen Variant Classification Criteria Version 2. Collection method: clinical testing. Allele origin: germline. Affected: yes. Observed: 2 variant alleles.

Laboratory for Molecular Medicine, Mass General Brigham Personalized Medicine
Classification: Likely pathogenic for Rare genetic deafness. Last evaluated: 2018-07-31. Review status: criteria provided, single submitter. Criteria: LMM Criteria. Collection method: clinical testing. Allele origin: germline. Inheritance: Autosomal dominant inheritance. Observed: 1 variant allele.
Comment: The p.Cys82Trp variant in PAX3 has been reported in ClinVar in a proband with Wa ardenburg syndrome and distal arthrogryposis (Variation ID: 547736, personal com munication). It is absent from large population databases including the Genome Aggregation Database (gnomAD). Computational prediction tools and conservation analysis suggest that the p.Cys82Trp variant m ay impact the protein. Also, the variant is located in a hotspot for pathogenic variants within the paired domain of the Pax-3 protein (Pingault 2010). In summa ry, the clinical significance of the p.Cys82Trp variant is likely pathogenic. AC MG/AMP Criteria applied: PM2, PP3, PP4, PS4_Supporting, PM1_Supporting.

Center for Human Genetics, Inc
Classification: Likely pathogenic for Klein-Waardenberg syndrome. Last evaluated: 2016-11-01. Review status: criteria provided, single submitter. Criteria: ACMG Guidelines, 2015. Collection method: clinical testing. Allele origin: germline. Affected: yes.

Literature cited by the submitters: PubMed 20127975 (cited by Laboratory for Molecular Medicine, Mass General Brigham Personalized Medicine).

NM_181458.4(PAX3):c.246C>G (p.Cys82Trp)

Gene: PAX3 (paired box 3; minus strand). Cytogenetic location: 2q36.1.
Variant type: single nucleotide variant.
Coding change: c.246C>G on transcript NM_181458.4 (MANE Select); coding-DNA position 246, C replaced by G.
Protein change: p.Cys82Trp; replaces cysteine 82 with tryptophan.
Molecular consequence: missense variant.
Genome position (GRCh38, 1-based): chr2:222,297,053, G>C on the plus strand (C>G on the coding strand, the complement: PAX3 is on the minus strand). VCF-style: chr2-222297053-G-C. GRCh37 (hg19) VCF-style: chr2-223161772-G-C.
Other names: c.246C>G, p.Cys82Trp (NM_000438.6, NM_001127366.3, NM_013942.5 and 4 more transcripts); short protein forms C82W.
Identifiers: ClinVar variation 547736 (VCV000547736.36), dbSNP rs777297575, ClinGen allele CA351113508.